The following is an entry in ClinVar:

NM_000096.4(CP):c.2207T>A (p.Ile736Asn)

Gene: CP (ceruloplasmin; minus strand). Cytogenetic location: 3q24.
Variant type: single nucleotide variant.
Coding change: c.2207T>A on transcript NM_000096.4 (MANE Select); coding-DNA position 2207, T replaced by A.
Protein change: p.Ile736Asn; replaces isoleucine 736 with asparagine.
Molecular consequence: missense variant. On other transcripts: non-coding transcript variant (1).
Genome position (GRCh38, 1-based): chr3:149,185,317, A>T on the plus strand (T>A on the coding strand, the complement: CP is on the minus strand). VCF-style: chr3-149185317-A-T. GRCh37 (hg19) VCF-style: chr3-148903104-A-T.
Other names: c.2207T>A (NM_000096.3); short protein forms I736N.
Identifiers: ClinVar variation 1469024 (VCV001469024.7), dbSNP rs746839444, ClinGen allele CA2660821.

ClinVar aggregate classification (germline): Uncertain significance. Review status: criteria provided, multiple submitters, no conflicts (2 of 4 stars). 2 submissions from 2 submitters: Uncertain significance (2). Last evaluated 2026-02-05.

Conditions:
Deficiency of ferroxidase (ACEP). Also called: NEURODEGENERATION WITH BRAIN IRON ACCUMULATION 10; Aceruloplasminemia; Ceruloplasmin deficiency; Familial apoceruloplasmin deficiency; Hereditary ceruloplasmin deficiency; Deficiency of ceruloplasmin. Identifiers: Orphanet 48818, MedGen C0878682, MONDO:0011426, OMIM 604290, HP:0025498.

Allele frequency attached by ClinVar (database versions not stated): gnomAD 0.00001; ExAC 0.00002; gnomAD exomes 0.00002.
gnomAD v4.1: 16 of 1,613,912 alleles (0.00099%); highest among the groups gnomAD compares: South Asian, 0.016%; no homozygotes.

Submissions (2):

GeneDx
Classification: Uncertain significance. Last evaluated: 2026-02-05. Review status: criteria provided, single submitter. Criteria: GeneDx Variant Classification Process June 2021. Collection method: clinical testing. Allele origin: germline.
Comment: Not observed at significant frequency in large population cohorts (gnomAD); In silico analysis supports that this missense variant has a deleterious effect on protein structure/function; Has not been previously published as pathogenic or benign to our knowledge; This variant is associated with the following publications: (PMID: 40043514)

Labcorp Genetics (formerly Invitae), Labcorp
Classification: Uncertain significance for Deficiency of ferroxidase. Last evaluated: 2025-06-22. Review status: criteria provided, single submitter. Criteria: Invitae Variant Classification Sherloc (09022015). Collection method: clinical testing. Allele origin: germline.
Comment: This sequence change replaces isoleucine, which is neutral and non-polar, with asparagine, which is neutral and polar, at codon 736 of the CP protein (p.Ile736Asn). This variant is present in population databases (rs746839444, gnomAD 0.01%). This missense change has been observed in individual(s) with aceruloplasminemia (internal data). ClinVar contains an entry for this variant (Variation ID: 1469024). Invitae Evidence Modeling of protein sequence and biophysical properties (such as structural, functional, and spatial information, amino acid conservation, physicochemical variation, residue mobility, and thermodynamic stability) indicates that this missense variant is expected to disrupt CP protein function with a positive predictive value of 80%. In summary, the available evidence is currently insufficient to determine the role of this variant in disease. Therefore, it has been classified as a Variant of Uncertain Significance.